The following is an entry in ClinVar:

ClinVar aggregate classification (germline): Likely pathogenic (0 of 4 stars; one submission).

Conditions:
OTOA-related disorder. Also called: OTOA-related condition.

Submission:

PreventionGenetics, part of Exact Sciences
Classification: Likely pathogenic for OTOA-related condition. Last evaluated: 2024-07-17. Review status: no assertion criteria provided. Collection method: clinical testing. Allele origin: germline.
Comment: The OTOA c.3329C>G variant is predicted to result in premature protein termination (p.Ser1110*). To our knowledge, this variant has not been reported in the literature. This variant is reported in 0.022% of alleles in individuals of African descent in gnomAD. Nonsense variants in OTOA are expected to be pathogenic. This variant is interpreted as likely pathogenic.

NM_144672.4(OTOA):c.3329C>G (p.Ser1110Ter)

Gene: OTOA (otoancorin). Cytogenetic location: 16p12.2.
Variant type: single nucleotide variant.
Coding change: c.3329C>G on transcript NM_144672.4 (MANE Select); coding-DNA position 3329, C replaced by G.
Protein change: p.Ser1110Ter; replaces serine 1110 with a stop codon.
Molecular consequence: nonsense.
Genome position (GRCh38, 1-based): chr16:21,757,257, C>G. VCF-style: chr16-21757257-C-G. GRCh37 (hg19) VCF-style: chr16-21768578-C-G.
Other names: c.3092C>G, p.Ser1031Ter (NM_001161683.2); c.2357C>G, p.Ser786Ter (NM_170664.3); short protein forms S1031*, S1110*, S786*.
Identifiers: ClinVar variation 3351519 (VCV003351519.1).